The following is an entry in ClinVar:

NM_004614.5(TK2):c.272G>A (p.Gly91Asp)

Gene: TK2 (thymidine kinase 2; minus strand). Cytogenetic location: 16q21.
Variant type: single nucleotide variant.
Coding change: c.272G>A on transcript NM_004614.5 (MANE Select); coding-DNA position 272, G replaced by A.
Protein change: p.Gly91Asp; replaces glycine 91 with aspartic acid.
Molecular consequence: missense variant. On other transcripts: 5 prime UTR variant (1), non-coding transcript variant (1), intron variant (1).
Genome position (GRCh38, 1-based): chr16:66,536,977, C>T on the plus strand (G>A on the coding strand, the complement: TK2 is on the minus strand). VCF-style: chr16-66536977-C-T. GRCh37 (hg19) VCF-style: chr16-66570880-C-T.
Other names: c.179G>A, p.Gly60Asp (NM_001172643.1, NM_001271935.1); c.197G>A, p.Gly66Asp (NM_001172644.2); c.125G>A, p.Gly42Asp (NM_001271934.2); c.-20G>A (NM_001272050.2); c.231+4902G>A (NM_001172645.2); short protein forms G42D, G60D, G66D, G91D.
Identifiers: ClinVar variation 4686624 (VCV004686624.1).

ClinVar aggregate classification (germline): Uncertain significance (1 of 4 stars; one submission).

Conditions:
Mitochondrial disease. Also called: Mitochondrial disorder; Mitochondrial disorders. Identifiers: Orphanet 68380, MedGen C0751651, MeSH D028361, MONDO:0044970.

Submission:

Genomenon, Inc
Classification: Uncertain significance for Mitochondrial disease. Last evaluated: 2025-11-24. Review status: criteria provided, single submitter. Criteria: Genomenon Sequence Variant Interpretation Standards - Updated. Collection method: curation. Allele origin: germline. Affected: yes.
Comment: TK2 p.Gly91Asp (c.272G>A) is a missense variant that changes the amino acid at residue 91 from Glycine to Aspartic acid. This variant has been observed in a proband affected with mitochondrial disease in the compound heterozygous state (40089535). This variant is not present at a significant frequency in gnomAD, and in silico models agree that this variant is possibly or probably damaging. In conclusion, we classify TK2 p.Gly91Asp (c.272G>A) as a variant of uncertain significance.

Literature cited by the submitters: PubMed 40089535.